The following is an entry in ClinVar:

NM_001291088.2(WDR87):c.3158A>T (p.His1053Leu)

Gene: WDR87 (WD repeat domain 87; minus strand). Cytogenetic location: 19q13.13.
Variant type: single nucleotide variant.
Coding change: c.3158A>T on transcript NM_001291088.2 (MANE Select); coding-DNA position 3158, A replaced by T.
Protein change: p.His1053Leu; replaces histidine 1053 with leucine.
Molecular consequence: missense variant.
Genome position (GRCh38, 1-based): chr19:37,891,788, T>A on the plus strand (A>T on the coding strand, the complement: WDR87 is on the minus strand). VCF-style: chr19-37891788-T-A. GRCh37 (hg19) VCF-style: chr19-38382428-T-A.
Other names: c.3041A>T, p.His1014Leu (NM_031951.5); short protein forms H1014L, H1053L.
Identifiers: ClinVar variation 2832171 (VCV002832171.3), dbSNP rs2513350049, ClinGen allele CA405613679.

ClinVar aggregate classification (germline): Uncertain significance (1 of 4 stars; one submission).

Submission:

Labcorp Genetics (formerly Invitae), Labcorp
Classification: Uncertain significance. Last evaluated: 2023-01-26. Review status: criteria provided, single submitter. Criteria: Invitae Variant Classification Sherloc (09022015). Collection method: clinical testing. Allele origin: germline.
Comment: This sequence change replaces histidine, which is basic and polar, with leucine, which is neutral and non-polar, at codon 1014 of the WDR87 protein (p.His1014Leu). This variant is not present in population databases (gnomAD no frequency). This variant has not been reported in the literature in individuals affected with WDR87-related conditions. Algorithms developed to predict the effect of missense changes on protein structure and function are either unavailable or do not agree on the potential impact of this missense change (SIFT: "Deleterious"; PolyPhen-2: "Benign"; Align-GVGD: "Class C15"). In summary, the available evidence is currently insufficient to determine the role of this variant in disease. Therefore, it has been classified as a Variant of Uncertain Significance.